The following is an entry in ClinVar:

ClinVar aggregate classification (germline): Uncertain significance. Review status: criteria provided, single submitter (1 of 4 stars). 2 submissions from 2 submitters: Uncertain significance (1). 1 of the submissions does not count toward it. Last evaluated 2024-10-25.

Conditions:
Nephronophthisis. Also called: Juvenile Nephronophthisis. Identifiers: Orphanet 655, MedGen C0687120, MONDO:0019005, HP:0000090.

Allele frequency attached by ClinVar (database versions not stated): gnomAD exomes below 0.00001; TOPMed 0.00001.
gnomAD v4.1: 5 of 1,613,526 alleles (0.00031%); highest among the groups gnomAD compares: Non-Finnish European, 0.00042%; no homozygotes.

Submissions (2):

Labcorp Genetics (formerly Invitae), Labcorp
Classification: Uncertain significance for Nephronophthisis. Last evaluated: 2024-10-25. Review status: criteria provided, single submitter. Criteria: Invitae Variant Classification Sherloc (09022015). Collection method: clinical testing. Allele origin: germline.
Comment: This sequence change replaces leucine, which is neutral and non-polar, with proline, which is neutral and non-polar, at codon 409 of the NPHP4 protein (p.Leu409Pro). This variant is present in population databases (no rsID available, gnomAD 0.0009%). This variant has not been reported in the literature in individuals affected with NPHP4-related conditions. ClinVar contains an entry for this variant (Variation ID: 1049364). Invitae Evidence Modeling of protein sequence and biophysical properties (such as structural, functional, and spatial information, amino acid conservation, physicochemical variation, residue mobility, and thermodynamic stability) indicates that this missense variant is expected to disrupt NPHP4 protein function with a positive predictive value of 80%. In summary, the available evidence is currently insufficient to determine the role of this variant in disease. Therefore, it has been classified as a Variant of Uncertain Significance.

Department of Pathology and Laboratory Medicine, Sinai Health System
Classification: Uncertain significance. Review status: no assertion criteria provided. Collection method: clinical testing. Allele origin: unknown. Affected: yes. Study: The Canadian Open Genetics Repository (COGR). Not counted in ClinVar's aggregate classification.
Comment: The NPHP4 p.Leu409Pro variant was not identified in the literature nor was it identified in ClinVar, Cosmic or LOVD 3.0. The variant was identified in dbSNP (ID: rs1382775969) and in control databases in 1 of 249064 chromosomes at a frequency of 0.000004 (Genome Aggregation Database Feb 27, 2017). The variant was observed in the following population: European (non-Finnish) in 1 of 112876 chromosomes (freq: 0.000009), while the variant was not observed in the African, Latino, Ashkenazi Jewish, East Asian, European (Finnish), Other, and South Asian populations. The p.Leu409 residue is conserved in mammals but not in more distantly related organisms, and four out of five computational analyses (PolyPhen-2, SIFT, BLOSUM, MutationTaster) suggest that the variant may impact the protein; however, this information is not predictive enough to assume pathogenicity. The variant occurs outside of the splicing consensus sequence and in silico or computational prediction software programs (SpliceSiteFinder, MaxEntScan, NNSPLICE, GeneSplicer) do not predict a difference in splicing. In summary, based on the above information the clinical significance of this variant cannot be determined with certainty at this time. This variant is classified as a variant of uncertain significance.

NM_015102.5(NPHP4):c.1226T>C (p.Leu409Pro)

Gene: NPHP4 (nephrocystin 4; minus strand). Cytogenetic location: 1p36.31.
Variant type: single nucleotide variant.
Coding change: c.1226T>C on transcript NM_015102.5 (MANE Select); coding-DNA position 1226, T replaced by C.
Protein change: p.Leu409Pro; replaces leucine 409 with proline.
Molecular consequence: missense variant. On other transcripts: 5 prime UTR variant (2), non-coding transcript variant (1).
Genome position (GRCh38, 1-based): chr1:5,933,223, A>G on the plus strand (T>C on the coding strand, the complement: NPHP4 is on the minus strand). VCF-style: chr1-5933223-A-G. GRCh37 (hg19) VCF-style: chr1-5993283-A-G.
Other names: c.-141T>C (NM_001291593.2, NM_001291594.2); short protein forms L409P.
Identifiers: ClinVar variation 1049364 (VCV001049364.4), dbSNP rs1382775969, ClinGen allele CA338061298.